The following is an entry in ClinVar:

NM_000350.3(ABCA4):c.2340C>T (p.Phe780=)

Gene: ABCA4 (ATP binding cassette subfamily A member 4; minus strand). Cytogenetic location: 1p22.1.
Variant type: single nucleotide variant.
Coding change: c.2340C>T on transcript NM_000350.3 (MANE Select); coding-DNA position 2340, C replaced by T.
Protein change: p.Phe780=; no amino-acid change (phenylalanine 780 retained).
Molecular consequence: synonymous variant.
Genome position (GRCh38, 1-based): chr1:94,056,643, G>A on the plus strand (C>T on the coding strand, the complement: ABCA4 is on the minus strand). VCF-style: chr1-94056643-G-A. GRCh37 (hg19) VCF-style: chr1-94522199-G-A.
Other names: c.2340C>T (NM_000350.2).
Identifiers: ClinVar variation 1095315 (VCV001095315.11), dbSNP rs772140318, ClinGen allele CA958301.

ClinVar aggregate classification (germline): Conflicting classifications of pathogenicity. Review status: criteria provided, conflicting classifications (1 of 4 stars). 3 submissions from 3 submitters: Uncertain significance (1); Likely benign (2). Last evaluated 2026-06-22.

Conditions:
ABCA4-related disorder. Also called: ABCA4-related disorders; ABCA4-related condition. Identifiers: MedGen CN239167.

Allele frequency attached by ClinVar (database versions not stated): gnomAD exomes 0.00001; TOPMed 0.00001; ExAC 0.00002; gnomAD 0.00002 and 0.00003.
gnomAD v4.1: 21 of 1,613,832 alleles (0.0013%); highest among the groups gnomAD compares: Middle Eastern, 0.035%; no homozygotes.

Submissions (3):

PreventionGenetics, part of Exact Sciences
Classification: Uncertain significance for ABCA4-related condition. Last evaluated: 2026-06-22. Review status: criteria provided, single submitter. Criteria: ACMG Guidelines, 2015. Collection method: clinical testing. Allele origin: germline.
Comment: The ABCA4 c.2340C>T variant is not predicted to result in an amino acid change (p.=). This variant is predicted to impact splicing based on one available splicing algorithm (SpliceAI, Jaganathan et al. 2019. PubMed ID: 30661751). To our knowledge, this variant has not been reported in the literature. This variant is reported in 0.0065% of alleles in individuals of South Asian descent in gnomAD. At this time, the clinical significance of this variant is uncertain due to the absence of conclusive functional and genetic evidence.

Labcorp Genetics (formerly Invitae), Labcorp
Classification: Likely benign. Last evaluated: 2026-01-05. Review status: criteria provided, single submitter. Criteria: Invitae Variant Classification Sherloc (09022015). Collection method: clinical testing. Allele origin: germline.

Blueprint Genetics
Classification: Likely benign. Last evaluated: 2024-06-26. Review status: criteria provided, single submitter. Criteria: ACMG Guidelines, 2015. Collection method: clinical testing. Allele origin: germline.